The following is an entry in ClinVar:

ClinVar aggregate classification (germline): Likely benign (1 of 4 stars; one submission).

Allele frequency attached by ClinVar (database versions not stated): 1000 Genomes Project 0.01478; 1000 Genomes Project 30x 0.01499; TOPMed 0.01779; gnomAD 0.01836 and 0.01892; gnomAD exomes 0.02502.
gnomAD v4.1: 17,970 of 754,628 alleles (2.4%); highest among the groups gnomAD compares: South Asian, 3.5%; 282 homozygotes.

Submission:

GeneDx
Classification: Likely benign. Last evaluated: 2018-06-14. Review status: criteria provided, single submitter. Criteria: GeneDx Variant Classification (06012015). Collection method: clinical testing. Allele origin: germline. Affected: yes.
Comment: This variant is considered likely benign or benign based on one or more of the following criteria: it is a conservative change, it occurs at a poorly conserved position in the protein, it is predicted to be benign by multiple in silico algorithms, and/or has population frequency not consistent with disease.

NM_001005242.3(PKP2):c.1034+136A>G

Gene: PKP2 (plakophilin 2; minus strand). Cytogenetic location: 12p11.21.
Variant type: single nucleotide variant.
Coding change: c.1034+136A>G on transcript NM_001005242.3 (MANE Select); 136 bases into the intron after coding-DNA position 1034, A replaced by G.
Molecular consequence: intron variant.
Genome position (GRCh38, 1-based): chr12:32,877,710, T>C on the plus strand (A>G on the coding strand, the complement: PKP2 is on the minus strand). VCF-style: chr12-32877710-T-C. GRCh37 (hg19) VCF-style: chr12-33030644-T-C.
Other names: c.1034+136A>G (NM_004572.4).
Identifiers: ClinVar variation 672207 (VCV000672207.1), dbSNP rs147988796, ClinGen allele CA235265564.